The following is an entry in ClinVar:

ClinVar aggregate classification (germline): Uncertain significance (1 of 4 stars; one submission).

gnomAD v4.1: 5 of 1,570,540 alleles (0.00032%); highest among the groups gnomAD compares: Admixed American, 0.0037%; no homozygotes.

Submission:

Labcorp Genetics (formerly Invitae), Labcorp
Classification: Uncertain significance. Last evaluated: 2026-01-07. Review status: criteria provided, single submitter. Criteria: Invitae Variant Classification Sherloc (09022015). Collection method: clinical testing. Allele origin: germline.
Comment: This sequence change falls in intron 22 of the COL9A3 gene. It does not directly change the encoded amino acid sequence of the COL9A3 protein. It affects a nucleotide within the consensus splice site. This variant is not present in population databases (gnomAD no frequency). This variant has not been reported in the literature in individuals affected with COL9A3-related conditions. ClinVar contains an entry for this variant (Variation ID: 1437695). Variants that disrupt the consensus splice site are a relatively common cause of aberrant splicing (PMID: 17576681, 9536098). Algorithms developed to predict the effect of sequence changes on RNA splicing suggest that this variant may disrupt the consensus splice site. In summary, the available evidence is currently insufficient to determine the role of this variant in disease. Therefore, it has been classified as a Variant of Uncertain Significance.

Literature cited by the submitters: PubMed 17576681; PubMed 9536098.

NM_001853.4(COL9A3):c.1162-3C>G

Gene: COL9A3 (collagen type IX alpha 3 chain; plus strand). Cytogenetic location: 20q13.33.
Variant type: single nucleotide variant.
Coding change: c.1162-3C>G on transcript NM_001853.4 (MANE Select); 3 bases into the intron before coding-DNA position 1162, C replaced by G.
Molecular consequence: intron variant.
Genome position (GRCh38, 1-based): chr20:62,830,357, C>G. VCF-style: chr20-62830357-C-G. GRCh37 (hg19) VCF-style: chr20-61461709-C-G.
Identifiers: ClinVar variation 1437695 (VCV001437695.6), dbSNP rs200601821, ClinGen allele CA317334669.